The following is an entry in ClinVar:

ClinVar aggregate classification (germline): Uncertain significance (1 of 4 stars; one submission).

gnomAD v4.1: 1 of 1,614,084 alleles (0.000062%); highest among the groups gnomAD compares: South Asian, 0.0011%; no homozygotes.

Submission:

Labcorp Genetics (formerly Invitae), Labcorp
Classification: Uncertain significance. Last evaluated: 2022-05-25. Review status: criteria provided, single submitter. Criteria: Invitae Variant Classification Sherloc (09022015). Collection method: clinical testing. Allele origin: germline.
Comment: In summary, the available evidence is currently insufficient to determine the role of this variant in disease. Therefore, it has been classified as a Variant of Uncertain Significance. Variants that disrupt the consensus splice site are a relatively common cause of aberrant splicing (PMID: 17576681, 9536098). Algorithms developed to predict the effect of sequence changes on RNA splicing suggest that this variant is not likely to affect RNA splicing. This variant has not been reported in the literature in individuals affected with ABHD12-related conditions. This variant is not present in population databases (gnomAD no frequency). This sequence change falls in intron 1 of the ABHD12 gene. It does not directly change the encoded amino acid sequence of the ABHD12 protein. It affects a nucleotide within the consensus splice site.

Literature cited by the submitters: PubMed 17576681; PubMed 9536098.

NM_001042472.3(ABHD12):c.192-3C>T

Gene: ABHD12 (abhydrolase domain containing 12, lysophospholipase; minus strand). Cytogenetic location: 20p11.21.
Variant type: single nucleotide variant.
Coding change: c.192-3C>T on transcript NM_001042472.3 (MANE Select); 3 bases into the intron before coding-DNA position 192, C replaced by T.
Molecular consequence: intron variant.
Genome position (GRCh38, 1-based): chr20:25,339,354, G>A on the plus strand (C>T on the coding strand, the complement: ABHD12 is on the minus strand). VCF-style: chr20-25339354-G-A. GRCh37 (hg19) VCF-style: chr20-25319990-G-A.
Other names: c.192-3C>T (NM_015600.5).
Identifiers: ClinVar variation 1998677 (VCV001998677.4), dbSNP rs2515865609, ClinGen allele CA2580098057.
Genomic context (GRCh38, chr20:25,339,354, plus strand): 5'-GTACAACCCCAAAACACAGAAAAGTATCTTCCTCAGGCGCAACCACACGCCCTTTCGCCT[G>A]CAAGAGAAAAGCAATGAATAGGTCAGAAGGCAGTAGGTGCCATTTTGCTGTAGTTTGTTA-3'